The following is an entry in ClinVar:

ClinVar aggregate classification (germline): Likely benign (1 of 4 stars; one submission).

Allele frequency attached by ClinVar (database versions not stated): gnomAD exomes 0.00018; ExAC 0.00044; gnomAD 0.00154; 1000 Genomes Project 0.00160; TOPMed 0.00186; ESP Exome Variant Server 0.00188; 1000 Genomes Project 30x 0.00203.
gnomAD v4.1: 503 of 1,613,064 alleles (0.031%); highest among the groups gnomAD compares: African/African-American, 0.53%; 2 homozygotes.

Submission:

CeGaT Center for Human Genetics Tuebingen
Classification: Likely benign. Last evaluated: 2022-12-01. Review status: criteria provided, single submitter. Criteria: CeGaT Center For Human Genetics Tuebingen Variant Classification Criteria Version 2. Collection method: clinical testing. Allele origin: germline. Affected: yes. Observed: 1 variant allele.
Comment: MYO5C: BP4, BS2

NM_018728.4(MYO5C):c.1031A>G (p.Glu344Gly)

Gene: MYO5C (myosin VC; minus strand). Cytogenetic location: 15q21.2.
Variant type: single nucleotide variant.
Coding change: c.1031A>G on transcript NM_018728.4 (MANE Select); coding-DNA position 1031, A replaced by G.
Protein change: p.Glu344Gly; replaces glutamic acid 344 with glycine.
Molecular consequence: missense variant.
Genome position (GRCh38, 1-based): chr15:52,264,206, T>C on the plus strand (A>G on the coding strand, the complement: MYO5C is on the minus strand). VCF-style: chr15-52264206-T-C. GRCh37 (hg19) VCF-style: chr15-52556403-T-C.
Other names: short protein forms E344G.
Identifiers: ClinVar variation 2645354 (VCV002645354.24), dbSNP rs200785449, ClinGen allele CA7567396.